The following is an entry in ClinVar:

ClinVar aggregate classification (germline): Likely pathogenic (1 of 4 stars; one submission).

Conditions:
Osteogenesis imperfecta type I (OI1). Also called: Lobstein's Disease; Classic Non-deforming Osteogenesis Imperfecta with Blue Sclerae; Lobstein disease; OI, TYPE I; OSTEOGENESIS IMPERFECTA TARDA; OSTEOGENESIS IMPERFECTA WITH BLUE SCLERAE. Identifiers: Orphanet 216796, Orphanet 666, MedGen C0023931, MONDO:0008146, OMIM 166200. Disease mechanism: loss of function.

Submission:

Labcorp Genetics (formerly Invitae), Labcorp
Classification: Likely pathogenic for Osteogenesis imperfecta type I. Last evaluated: 2023-05-21. Review status: criteria provided, single submitter. Criteria: Invitae Variant Classification Sherloc (09022015). Collection method: clinical testing. Allele origin: germline.
Comment: This variant, c.3552_3560del, results in the deletion of 3 amino acid(s) of the COL1A1 protein (p.Gly1190_Pro1192del), but otherwise preserves the integrity of the reading frame. This variant is not present in population databases (gnomAD no frequency). This variant has not been reported in the literature in individuals affected with COL1A1-related conditions. This variant disrupts the triple helix domain of COL1A1. Glycine residues within the Gly-Xaa-Yaa repeats of the triple helix domain are required for the structure and stability of fibrillar collagens (PMID: 7695699, 8218237, 19344236). In COL1A1, variants affecting these glycine residues are significantly enriched in individuals with disease (PMID: 9016532, 17078022) compared to the general population (ExAC). In summary, the currently available evidence indicates that the variant is pathogenic, but additional data are needed to prove that conclusively. Therefore, this variant has been classified as Likely Pathogenic.

Literature cited by the submitters: PubMed 7695699; PubMed 8218237; PubMed 19344236; PubMed 9016532; PubMed 17078022.

NM_000088.4(COL1A1):c.3552_3560del (p.1178GPP[4])

Gene: COL1A1 (collagen type I alpha 1 chain; minus strand). Cytogenetic location: 17q21.33.
Variant type: Deletion.
Coding change: c.3552_3560del on transcript NM_000088.4 (MANE Select); coding-DNA positions 3552 to 3560, 9 bases deleted (ACCTCCTGG; older notation c.3552_3560delACCTCCTGG).
Protein change: p.1178GPP[4].
Molecular consequence: inframe deletion.
Genome position (GRCh38, 1-based): chr17:50,186,894-50,186,902, CCAGGAGGT deleted on the plus strand (ACCTCCTGG on the coding strand, the reverse complement: COL1A1 is on the minus strand); deleting any 9 consecutive bases within chr17:50,186,894-50,186,910 gives the same sequence; the c. name uses the placement nearest the transcript's 3' end. VCF-style (leftmost placement, unchanged base first): chr17-50186893-ACCAGGAGGT-A. GRCh37 (hg19) VCF-style: chr17-48264254-ACCAGGAGGT-A.
Identifiers: ClinVar variation 2866659 (VCV002866659.3), dbSNP rs2509165406, ClinGen allele CA2739268216.
Genomic context (GRCh38, chr17:50,186,893, plus strand): 5'-CTCTTGAGGTGGCTGGGGCAGGAAGCTGAAGTCGAAACCAGCGCTGGGAGGACCAGGGGG[ACCAGGAGGT>A]CCAGGAGGGCCGGGGGGACCCTGCACAGAGAGGGAAGAGAGTGGGGATTACCGGCATCCA-3'